The following is an entry in ClinVar:

ClinVar aggregate classification (germline): Uncertain significance (1 of 4 stars; one submission).

Submission:

CeGaT Center for Human Genetics Tuebingen
Classification: Uncertain significance. Last evaluated: 2024-05-01. Review status: criteria provided, single submitter. Criteria: CeGaT Center For Human Genetics Tuebingen Variant Classification Criteria Version 2. Collection method: clinical testing. Allele origin: germline. Affected: yes. Observed: 1 variant allele.
Comment: DMD: PM2, BP4

NM_004006.3(DMD):c.3355G>T (p.Ala1119Ser)

Gene: DMD (dystrophin; minus strand). Cytogenetic location: Xp21.1.
Variant type: single nucleotide variant.
Coding change: c.3355G>T on transcript NM_004006.3 (MANE Select); coding-DNA position 3355, G replaced by T.
Protein change: p.Ala1119Ser; replaces alanine 1119 with serine.
Molecular consequence: missense variant.
Genome position (GRCh38, 1-based): chrX:32,463,516, C>A on the plus strand (G>T on the coding strand, the complement: DMD is on the minus strand). VCF-style: chrX-32463516-C-A. GRCh37 (hg19) VCF-style: chrX-32481633-C-A.
Other names: c.3331G>T, p.Ala1111Ser (NM_000109.4); c.3343G>T, p.Ala1115Ser (NM_004009.3); c.2986G>T, p.Ala996Ser (NM_004010.3); short protein forms A1111S, A1115S, A1119S, A996S.
Identifiers: ClinVar variation 3239331 (VCV003239331.19), dbSNP rs2524515065.